The following is an entry in ClinVar:

NM_001184.4(ATR):c.4910C>G (p.Pro1637Arg)

Gene: ATR (ATR serine/threonine kinase; minus strand). Cytogenetic location: 3q23.
Variant type: single nucleotide variant.
Coding change: c.4910C>G on transcript NM_001184.4 (MANE Select); coding-DNA position 4910, C replaced by G.
Protein change: p.Pro1637Arg; replaces proline 1637 with arginine.
Molecular consequence: missense variant.
Genome position (GRCh38, 1-based): chr3:142,508,052, G>C on the plus strand (C>G on the coding strand, the complement: ATR is on the minus strand). VCF-style: chr3-142508052-G-C. GRCh37 (hg19) VCF-style: chr3-142226894-G-C.
Other names: c.4718C>G, p.Pro1573Arg (NM_001354579.2); short protein forms P1573R, P1637R.
Identifiers: ClinVar variation 3462544 (VCV003462544.1).

ClinVar aggregate classification (germline): Uncertain significance (1 of 4 stars; one submission).

Conditions:
Inborn genetic diseases. Identifiers: MedGen C0950123, MeSH D030342.

Submission:

Ambry Genetics
Classification: Uncertain significance for Inborn genetic diseases. Last evaluated: 2024-08-22. Review status: criteria provided, single submitter. Criteria: Ambry Variant Classification Scheme 2023. Collection method: clinical testing. Allele origin: germline.
Comment: The p.P1637R variant (also known as c.4910C>G), located in coding exon 28 of the ATR gene, results from a C to G substitution at nucleotide position 4910. The proline at codon 1637 is replaced by arginine, an amino acid with dissimilar properties. This amino acid position is conserved. In addition, this alteration is predicted to be deleterious by in silico analysis. Based on the available evidence, the clinical significance of this variant remains unclear.